The following is an entry in ClinVar:

ClinVar aggregate classification (germline): Uncertain significance (1 of 4 stars; one submission).

Conditions:
Familial cold autoinflammatory syndrome 2 (FCAS2). Identifiers: Orphanet 247868, MedGen C2673198, MONDO:0012724, OMIM 611762.

gnomAD v4.1: 2 of 1,613,254 alleles (0.00012%); highest among the groups gnomAD compares: Non-Finnish European, 0.000085%; no homozygotes.

Submission:

Labcorp Genetics (formerly Invitae), Labcorp
Classification: Uncertain significance for Familial cold autoinflammatory syndrome 2. Last evaluated: 2025-11-26. Review status: criteria provided, single submitter. Criteria: Invitae Variant Classification Sherloc (09022015). Collection method: clinical testing. Allele origin: germline.
Comment: This sequence change replaces threonine, which is neutral and polar, with isoleucine, which is neutral and non-polar, at codon 212 of the NLRP12 protein (p.Thr212Ile). This variant is not present in population databases (gnomAD no frequency). This variant has not been reported in the literature in individuals affected with NLRP12-related conditions. ClinVar contains an entry for this variant (Variation ID: 3612642). Invitae Evidence Modeling of protein sequence and biophysical properties (such as structural, functional, and spatial information, amino acid conservation, physicochemical variation, residue mobility, and thermodynamic stability) indicates that this missense variant is not expected to disrupt NLRP12 protein function with a negative predictive value of 80%. In summary, the available evidence is currently insufficient to determine the role of this variant in disease. Therefore, it has been classified as a Variant of Uncertain Significance.

NM_144687.4(NLRP12):c.635C>T (p.Thr212Ile)

Gene: NLRP12 (NLR family pyrin domain containing 12; minus strand). Cytogenetic location: 19q13.42.
Variant type: single nucleotide variant.
Coding change: c.635C>T on transcript NM_144687.4 (MANE Select); coding-DNA position 635, C replaced by T.
Protein change: p.Thr212Ile; replaces threonine 212 with isoleucine.
Molecular consequence: missense variant.
Genome position (GRCh38, 1-based): chr19:53,811,024, G>A on the plus strand (C>T on the coding strand, the complement: NLRP12 is on the minus strand). VCF-style: chr19-53811024-G-A. GRCh37 (hg19) VCF-style: chr19-54314278-G-A.
Other names: c.635C>T, p.Thr212Ile (NM_001277126.2, NM_001277129.1); short protein forms T212I.
Identifiers: ClinVar variation 3612642 (VCV003612642.2).
Genomic context (GRCh38, chr19:53,811,024, plus strand): 5'-AGCATCACCTTGTGTGCCAGCATGGACTTGCCTATCCCTGCCGCGCCTTGCATGACCACG[G>A]TGCGCGGTGGCTCGGGGCGCTCCTCGTCTGGCTCAAAGAGGGTCTCTATCTTGATGGGGC-3'
Protein context (NP_653288.1, residues 202-222): PDEERPEPPR[Thr212Ile]VVMQGAAGIG